The following is an entry in ClinVar:

NC_000019.9:g.(?_6494329)_(6496233_6501297)dup

Gene: TUBB4A (tubulin beta 4A class IVa; minus strand). Cytogenetic location: 19p13.3.
Variant type: Duplication.
Identifiers: ClinVar variation 3251453 (VCV003251453.1).

ClinVar aggregate classification (germline): Benign (1 of 4 stars; one submission).

Submission:

Women's Health and Genetics/Laboratory Corporation of America, LabCorp
Classification: Benign. Last evaluated: 2024-04-08. Review status: criteria provided, single submitter. Criteria: LabCorp Variant Classification Summary - May 2015. Collection method: clinical testing. Allele origin: germline.
Comment: Variant summary: The variant involves the duplication of exon 4 in the TUBB4A gene. A presumed nomenclature of c.(277+1_278-1)_(*846_?)dup has been designated for the purposes of this classification. The exact breakpoint at the 3' end of this variant is unknown, therefore this duplication may extend downstream of the annotated region of the gene. As it duplicates the termination codon, its effect on the encoded protein is unknown. The variant allele was found at a frequency of 0.0025 in 21686 control chromosomes in the gnomAD database, including 4 homozygotes (gnomAD SVs v2 database), strongly suggesting that the variant is benign. To our knowledge, no occurrence of c.(277+1_278-1)_(*846_?)dup in individuals affected with Leukodystrophy, Hypomyelinating, 6 and no experimental evidence demonstrating its impact on protein function have been reported. This duplication also overlaps with several segmental duplications from this region (DGV database). ClinVar contains an entry for this variant (Variation ID: 1024714). Based on the evidence outlined above, the variant was classified as benign.